The following is an entry in ClinVar:

ClinVar aggregate classification (germline): Conflicting classifications of pathogenicity. Review status: criteria provided, conflicting classifications (1 of 4 stars). 4 submissions from 4 submitters: Pathogenic (2); Uncertain significance (1). 1 of the submissions does not count toward it. Last evaluated 2022-07-18.

Conditions:
Charcot-Marie-Tooth disease, axonal, autosomal recessive, type 2a2b;. Also called: Charcot-Marie-Tooth disease, axonal, type 2A2B; Charcot-Marie-Tooth disease, axonal, autosomal recessive, type 2A2B. Identifiers: MedGen C4310725, MONDO:0014906, OMIM 617087.
Neuropathy, hereditary motor and sensory, type 6A (HMSN6A). Also called: NEUROPATHY, HEREDITARY MOTOR AND SENSORY, TYPE VIA, WITH OPTIC ATROPHY; NEUROPATHY, HEREDITARY MOTOR AND SENSORY, TYPE VIA; HMSN VIA; CHARCOT-MARIE-TOOTH DISEASE, TYPE 6A. Identifiers: MedGen CN305336, MONDO:0011002, OMIM 601152.
Charcot-Marie-Tooth disease type 2A2. Also called: HEREDITARY MOTOR AND SENSORY NEUROPATHY IIA2; HMSN IIA2; Charcot-Marie-Tooth Neuropathy Type 2A2; CHARCOT-MARIE-TOOTH DISEASE, AXONAL, AUTOSOMAL DOMINANT, TYPE 2A2A; CHARCOT-MARIE-TOOTH DISEASE, AXONAL, TYPE 2A2; CHARCOT-MARIE-TOOTH DISEASE, NEURONAL, TYPE 2A2. Identifiers: Orphanet 99947, MedGen C4721887, MONDO:0012231, OMIM 609260.
Multiple symmetric lipomatosis. Also called: LIPODYSTROPHY, CEPHALOTHORACIC; Madelung disease; Benign symmetrical lipomatosis; Launois-Bensaude syndrome; Madelung's disease. Identifiers: Orphanet 2398, MedGen C0023804, MONDO:0007908, OMIM 151800.
Charcot-Marie-Tooth disease. Also called: Charcot-Marie-Tooth Neuropathy; Charcot-Marie-Tooth Hereditary Neuropathy. Identifiers: Orphanet 166, MedGen C0007959, MONDO:0015626.
Charcot-Marie-Tooth disease type 2. Also called: Charcot-Marie-Tooth type 2. Identifiers: Orphanet 64746, MedGen C0270914, MONDO:0018993.

Submissions (4):

Labcorp Genetics (formerly Invitae), Labcorp
Classification: Pathogenic for Charcot-Marie-Tooth disease type 2. Last evaluated: 2022-07-18. Review status: criteria provided, single submitter. Criteria: Invitae Variant Classification Sherloc (09022015). Collection method: clinical testing. Allele origin: germline.
Comment: This sequence change replaces glutamic acid, which is acidic and polar, with lysine, which is basic and polar, at codon 744 of the MFN2 protein (p.Glu744Lys). For these reasons, this variant has been classified as Pathogenic. This variant disrupts the p.Glu744 amino acid residue in MFN2. Other variant(s) that disrupt this residue have been determined to be pathogenic (Invitae). This suggests that this residue is clinically significant, and that variants that disrupt this residue are likely to be disease-causing. Advanced modeling of protein sequence and biophysical properties (such as structural, functional, and spatial information, amino acid conservation, physicochemical variation, residue mobility, and thermodynamic stability) performed at Invitae indicates that this missense variant is expected to disrupt MFN2 protein function. ClinVar contains an entry for this variant (Variation ID: 420586). This missense change has been observed in individuals with autosomal dominant Charcot-Marie-Tooth disease (PMID: 24863639; Invitae). This variant is not present in population databases (gnomAD no frequency).

GeneDx
Classification: Uncertain significance. Last evaluated: 2017-01-27. Review status: criteria provided, single submitter. Criteria: GeneDx Variant Classification (06012015). Collection method: clinical testing. Allele origin: germline. Affected: yes.
Comment: The E744K variant has been previously reported in a Korean family with CMT2; however, no further information was provided regarding segregation and other causes of CMT were not ruled out (Choi et al., 2015). The E744K variant is not observed in large population cohorts (Lek et al., 2016; 1000 Genomes Consortium et al., 2015; Exome Variant Server). The E744K variant is a non-conservative amino acid substitution, which is likely to impact secondary protein structure as these residues differ in polarity, charge, size and/or other properties. This substitution occurs at a position that is conserved across species. In silico analysis predicts this variant is probably damaging to the protein structure/function. Missense variants in nearby residues have been reported in the Human Gene Mutation Database in association with CMT (Stenson et al., 2014), supporting the functional importance of this region of the protein. Based on the currently available information, it is unclear whether this variant is a pathogenic variant or a rare benign variant.

Juno Genomics, Hangzhou Juno Genomics, Inc
Classification: Pathogenic for Multiple symmetric lipomatosis; Charcot-Marie-Tooth disease type 2A2; Charcot-Marie-Tooth disease, axonal, autosomal recessive, type 2a2b;; Neuropathy, hereditary motor and sensory, type 6A. Review status: criteria provided, single submitter. Criteria: ACMG Guidelines, 2015. Collection method: clinical testing. Allele origin: germline. Affected: yes.
Comment: Absent from controls (or at extremely low frequency if recessive) in Genome Aggregation Database, Exome Sequencing Project, 1000 Genomes Project, or Exome Aggregation Consortium.;Multiple lines of computational evidence support a deleterious effect on the gene or gene product (conservation, evolutionary, splicing impact, etc).;Missense variant in a gene that has a low rate of benign missense variation and where missense variants are a common mechanism of disease.;The prevalence of the variant in affected individuals is significantly increased compared to the prevalence in controls.;Co-segregation with disease in multiple affected family members in a gene definitively known to cause the disease.;Patient's phenotype or family history is highly specific for a disease with a single genetic etiology.

Inherited Neuropathy Consortium
Classification: Uncertain significance for Charcot-Marie-Tooth disease. Review status: no assertion criteria provided. Collection method: provider interpretation. Allele origin: inherited. Affected: yes. Not counted in ClinVar's aggregate classification.

Literature cited by the submitters: PubMed 24863639 (cited by Labcorp Genetics (formerly Invitae), Labcorp).

NM_014874.4(MFN2):c.2230G>A (p.Glu744Lys)

Gene: MFN2 (mitofusin 2; plus strand). Cytogenetic location: 1p36.22.
Variant type: single nucleotide variant.
Coding change: c.2230G>A on transcript NM_014874.4 (MANE Select); coding-DNA position 2230, G replaced by A.
Protein change: p.Glu744Lys; replaces glutamic acid 744 with lysine.
Molecular consequence: missense variant.
Genome position (GRCh38, 1-based): chr1:12,011,521, G>A. VCF-style: chr1-12011521-G-A. GRCh37 (hg19) VCF-style: chr1-12071578-G-A.
Other names: c.2230G>A, p.Glu744Lys (NM_001127660.2); short protein forms E744K.
Identifiers: ClinVar variation 420586 (VCV000420586.12), dbSNP rs1064794571, ClinGen allele CA16616967.